The following is an entry in ClinVar:

ClinVar aggregate classification (germline): Uncertain significance. Review status: criteria provided, multiple submitters, no conflicts (2 of 4 stars). 6 submissions from 6 submitters: Uncertain significance (6). Last evaluated 2025-12-21.

Conditions:
Juvenile polyposis syndrome (JPS). Identifiers: Orphanet 2929, MedGen C0345893, MONDO:0017380, OMIM 174900.
Hereditary cancer-predisposing syndrome. Also called: Hereditary neoplastic syndrome; Neoplastic Syndromes, Hereditary; Tumor predisposition; Hereditary Cancer Syndrome. Identifiers: Orphanet 140162, MedGen C0027672, MeSH D009386, MONDO:0015356.

Allele frequency attached by ClinVar (database versions not stated): gnomAD below 0.00001 and 0.00001; gnomAD exomes below 0.00001 and 0.00001; TOPMed below 0.00001; ExAC 0.00002.
gnomAD v4.1: 8 of 1,614,010 alleles (0.0005%); highest among the groups gnomAD compares: South Asian, 0.0044%; no homozygotes.

Submissions (6):

Labcorp Genetics (formerly Invitae), Labcorp
Classification: Uncertain significance for Juvenile polyposis syndrome. Last evaluated: 2025-12-21. Review status: criteria provided, single submitter. Criteria: Invitae Variant Classification Sherloc (09022015). Collection method: clinical testing. Allele origin: germline.
Comment: This sequence change replaces arginine, which is basic and polar, with glutamine, which is neutral and polar, at codon 486 of the BMPR1A protein (p.Arg486Gln). This variant is present in population databases (rs752802257, gnomAD 0.003%). This variant has not been reported in the literature in individuals affected with BMPR1A-related conditions. ClinVar contains an entry for this variant (Variation ID: 485365). Invitae Evidence Modeling incorporating data from in vitro experimental studies (internal data) indicates that this missense variant is not expected to disrupt BMPR1A function with a negative predictive value of 95%. In summary, the available evidence is currently insufficient to determine the role of this variant in disease. Therefore, it has been classified as a Variant of Uncertain Significance.

Ambry Genetics
Classification: Uncertain significance for Hereditary cancer-predisposing syndrome. Last evaluated: 2025-07-15. Review status: criteria provided, single submitter. Criteria: Ambry Variant Classification Scheme 2023. Collection method: clinical testing. Allele origin: germline.
Comment: The p.R486Q variant (also known as c.1457G>A), located in coding exon 10 of the BMPR1A gene, results from a G to A substitution at nucleotide position 1457. The arginine at codon 486 is replaced by glutamine, an amino acid with highly similar properties. This amino acid position is highly conserved in available vertebrate species. In addition, the in silico prediction for this alteration is inconclusive. Based on the available evidence, the clinical significance of this variant remains unclear.

All of Us Research Program, National Institutes of Health
Classification: Uncertain significance for Juvenile polyposis syndrome. Last evaluated: 2024-09-23. Review status: criteria provided, single submitter. Criteria: ACMG Guidelines, 2015. Collection method: clinical testing. Allele origin: germline. Inheritance: Autosomal dominant inheritance. Observed: 4 variant alleles, 4 heterozygotes.
Comment: This missense variant replaces arginine with glutamine at codon 486 of the BMPR1A protein. Computational prediction suggests that this variant may not impact protein structure and function (internally defined REVEL score threshold <= 0.5, PMID: 27666373). To our knowledge, functional studies have not been reported for this variant. This variant has not been reported in individuals affected with BMPR1A-related disorders in the literature. This variant has been identified in 2/251492 chromosomes in the general population by the Genome Aggregation Database (gnomAD). The available evidence is insufficient to determine the role of this variant in disease conclusively. Therefore, this variant is classified as a Variant of Uncertain Significance.

This study involves interpretation of variants in research participants for the purpose of population health screening. Participant phenotype was not available at the time of variant classification. Additional details can be found in publication PMID: 35346344, PMCID: PMC8962531

Color Diagnostics, LLC DBA Color Health
Classification: Uncertain significance for Hereditary cancer-predisposing syndrome. Last evaluated: 2024-05-28. Review status: criteria provided, single submitter. Criteria: ACMG Guidelines, 2015. Collection method: clinical testing. Allele origin: germline.
Comment: This missense variant replaces arginine with glutamine at codon 486 of the BMPR1A protein. Computational prediction suggests that this variant may not impact protein structure and function (internally defined REVEL score threshold <= 0.5, PMID: 27666373). To our knowledge, functional studies have not been reported for this variant. This variant has not been reported in individuals affected with BMPR1A-related disorders in the literature. This variant has been identified in 2/251492 chromosomes in the general population by the Genome Aggregation Database (gnomAD). The available evidence is insufficient to determine the role of this variant in disease conclusively. Therefore, this variant is classified as a Variant of Uncertain Significance.

GeneDx
Classification: Uncertain significance. Last evaluated: 2024-02-20. Review status: criteria provided, single submitter. Criteria: GeneDx Variant Classification Process June 2021. Collection method: clinical testing. Allele origin: germline. Affected: yes.
Comment: Not observed at significant frequency in large population cohorts (gnomAD); In silico analysis supports that this missense variant has a deleterious effect on protein structure/function; Identified in an individual with breast cancer and family history of breast and colorectal cancer (PMID: 34326862); This variant is associated with the following publications: (PMID: 34326862)

Women's Health and Genetics/Laboratory Corporation of America, LabCorp
Classification: Uncertain significance. Last evaluated: 2023-10-30. Review status: criteria provided, single submitter. Criteria: LabCorp Variant Classification Summary - May 2015. Collection method: clinical testing. Allele origin: germline.
Comment: Variant summary: BMPR1A c.1457G>A (p.Arg486Gln) results in a conservative amino acid change located in the Protein kinase domain (IPR000719) of the encoded protein sequence. Three of five in-silico tools predict a benign effect of the variant on protein function. The variant allele was found at a frequency of 8e-06 in 251492 control chromosomes. The available data on variant occurrences in the general population are insufficient to allow any conclusion about variant significance. c.1457G>A has been reported in the literature in at least one individual with a personal history of breast cancer and a family history of breast and other cancers, but was classified by the authors as a VUS (Bhai_2021). This report does not provide unequivocal conclusions about association of the variant with Juvenile Polyposis Syndrome. To our knowledge, no experimental evidence demonstrating an impact on protein function has been reported. The following publication has been ascertained in the context of this evaluation (PMID: 34326862). Three submitters have cited clinical-significance assessments for this variant to ClinVar after 2014. All submitters classified the variant as uncertain significance. Based on the evidence outlined above, the variant was classified as uncertain significance.

Literature cited by the submitters: PubMed 34326862 (cited by Women's Health and Genetics/Laboratory Corporation of America, LabCorp).

NM_004329.3(BMPR1A):c.1457G>A (p.Arg486Gln)

Gene: BMPR1A (bone morphogenetic protein receptor type 1A; plus strand). Cytogenetic location: 10q23.2.
Variant type: single nucleotide variant.
Coding change: c.1457G>A on transcript NM_004329.3 (MANE Select); coding-DNA position 1457, G replaced by A.
Protein change: p.Arg486Gln; replaces arginine 486 with glutamine.
Molecular consequence: missense variant.
Genome position (GRCh38, 1-based): chr10:86,923,490, G>A. VCF-style: chr10-86923490-G-A. GRCh37 (hg19) VCF-style: chr10-88683247-G-A.
Other names: short protein forms R486Q.
Identifiers: ClinVar variation 485365 (VCV000485365.26), dbSNP rs752802257, ClinGen allele CA5585723.